The following is an entry in ClinVar:

ClinVar aggregate classification (germline): Pathogenic (1 of 4 stars; one submission).

Conditions:
Congenital stationary night blindness 1E. Also called: Night blindness, congenital stationary (complete), 1E, autosomal recessive. Identifiers: Orphanet 215, MedGen C3281215, MONDO:0013807, OMIM 614565.

Allele frequency attached by ClinVar (database versions not stated): TOPMed below 0.00001.

Submission:

3billion
Classification: Pathogenic for Congenital stationary night blindness 1E. Last evaluated: 2022-09-01. Review status: criteria provided, single submitter. Criteria: ACMG Guidelines, 2015. Collection method: clinical testing. Allele origin: germline. Affected: yes. Observed: 1 homozygote.
Comment: The variant is not observed in the gnomAD v2.1.1 dataset. This stop-gained (nonsense) variant is predicted to result in a loss or disruption of normal protein function through nonsense-mediated decay (NMD) or protein truncation. Multiple pathogenic variants are reported downstream of the variant. Therefore, this homozygous variant is classified as Pathogenic according to the recommendation of ACMG/AMP guideline.

NM_001004334.4(GPR179):c.1667G>A (p.Trp556Ter)

Gene: GPR179 (G protein-coupled receptor 179; minus strand). Cytogenetic location: 17q12.
Variant type: single nucleotide variant.
Coding change: c.1667G>A on transcript NM_001004334.4 (MANE Select); coding-DNA position 1667, G replaced by A.
Protein change: p.Trp556Ter; replaces tryptophan 556 with a stop codon.
Molecular consequence: nonsense.
Genome position (GRCh38, 1-based): chr17:38,334,821, C>T on the plus strand (G>A on the coding strand, the complement: GPR179 is on the minus strand). VCF-style: chr17-38334821-C-T. GRCh37 (hg19) VCF-style: chr17-36490704-C-T.
Other names: short protein forms W556*.
Identifiers: ClinVar variation 1705299 (VCV001705299.1), dbSNP rs2037388948, ClinGen allele CA398886249.